The following is an entry in ClinVar:

ClinVar aggregate classification (germline): Uncertain significance. Review status: criteria provided, single submitter (1 of 4 stars). 2 submissions from 2 submitters: Uncertain significance (1). 1 of the submissions does not count toward it. Last evaluated 2025-11-17.

Conditions:
Retinitis pigmentosa 25 (RP25). Identifiers: Orphanet 791, MedGen C1864446, MONDO:0011272, OMIM 602772.

Allele frequency attached by ClinVar (database versions not stated): gnomAD exomes 0.00001.
gnomAD v4.1: 8 of 1,545,908 alleles (0.00052%); highest among the groups gnomAD compares: Middle Eastern, 0.017%; no homozygotes.

Submissions (2):

Labcorp Genetics (formerly Invitae), Labcorp
Classification: Uncertain significance. Last evaluated: 2025-11-17. Review status: criteria provided, single submitter. Criteria: Invitae Variant Classification Sherloc (09022015). Collection method: clinical testing. Allele origin: germline.
Comment: This sequence change replaces lysine, which is basic and polar, with methionine, which is neutral and non-polar, at codon 2162 of the EYS protein (p.Lys2162Met). This variant is present in population databases (no rsID available, gnomAD 0.004%). This variant has not been reported in the literature in individuals affected with EYS-related conditions. ClinVar contains an entry for this variant (Variation ID: 1014922). Invitae Evidence Modeling of protein sequence and biophysical properties (such as structural, functional, and spatial information, amino acid conservation, physicochemical variation, residue mobility, and thermodynamic stability) indicates that this missense variant is not expected to disrupt EYS protein function with a negative predictive value of 80%. In summary, the available evidence is currently insufficient to determine the role of this variant in disease. Therefore, it has been classified as a Variant of Uncertain Significance.

Natera, Inc.
Classification: Uncertain significance for Retinitis pigmentosa type 25. Last evaluated: 2020-06-26. Review status: no assertion criteria provided. Collection method: clinical testing. Allele origin: germline. Not counted in ClinVar's aggregate classification.

NM_001142800.2(EYS):c.6485A>T (p.Lys2162Met)

Gene: EYS (EGF-like photoreceptor maintenance factor; minus strand). Cytogenetic location: 6q12.
Variant type: single nucleotide variant.
Coding change: c.6485A>T on transcript NM_001142800.2 (MANE Select); coding-DNA position 6485, A replaced by T.
Protein change: p.Lys2162Met; replaces lysine 2162 with methionine.
Molecular consequence: missense variant.
Genome position (GRCh38, 1-based): chr6:64,081,942, T>A on the plus strand (A>T on the coding strand, the complement: EYS is on the minus strand). VCF-style: chr6-64081942-T-A. GRCh37 (hg19) VCF-style: chr6-64791835-T-A.
Other names: c.6485A>T, p.Lys2162Met (NM_001292009.2); short protein forms K2162M.
Identifiers: ClinVar variation 1014922 (VCV001014922.9), dbSNP rs1039415909, ClinGen allele CA364390982.